The following is an entry in ClinVar:

ClinVar aggregate classification (germline): Uncertain significance (1 of 4 stars; one submission).

gnomAD v4.1: 5 of 1,577,290 alleles (0.00032%); highest among the groups gnomAD compares: Middle Eastern, 0.052%; no homozygotes.

Submission:

Labcorp Genetics (formerly Invitae), Labcorp
Classification: Uncertain significance. Last evaluated: 2022-08-31. Review status: criteria provided, single submitter. Criteria: Invitae Variant Classification Sherloc (09022015). Collection method: clinical testing. Allele origin: germline.
Comment: In summary, the available evidence is currently insufficient to determine the role of this variant in disease. Therefore, it has been classified as a Variant of Uncertain Significance. Algorithms developed to predict the effect of missense changes on protein structure and function (SIFT, PolyPhen-2, Align-GVGD) all suggest that this variant is likely to be tolerated. This variant has not been reported in the literature in individuals affected with IRF2BP2-related conditions. The frequency data for this variant in the population databases is considered unreliable, as metrics indicate poor data quality at this position in the gnomAD database. This sequence change replaces glycine, which is neutral and non-polar, with valine, which is neutral and non-polar, at codon 292 of the IRF2BP2 protein (p.Gly292Val).

NM_182972.3(IRF2BP2):c.875G>T (p.Gly292Val)

Gene: IRF2BP2 (interferon regulatory factor 2 binding protein 2; minus strand). Cytogenetic location: 1q42.3.
Variant type: single nucleotide variant.
Coding change: c.875G>T on transcript NM_182972.3 (MANE Select); coding-DNA position 875, G replaced by T.
Protein change: p.Gly292Val; replaces glycine 292 with valine.
Molecular consequence: missense variant.
Genome position (GRCh38, 1-based): chr1:234,608,620, C>A on the plus strand (G>T on the coding strand, the complement: IRF2BP2 is on the minus strand). VCF-style: chr1-234608620-C-A. GRCh37 (hg19) VCF-style: chr1-234744366-C-A.
Other names: c.875G>T, p.Gly292Val (NM_001077397.1); short protein forms G292V.
Identifiers: ClinVar variation 1984053 (VCV001984053.4), dbSNP rs778815968, ClinGen allele CA1461748.